The following is an entry in ClinVar:

NM_001080517.3(SETD5):c.1802del (p.Leu601fs)

Gene: SETD5 (SET domain containing 5; plus strand). Cytogenetic location: 3p25.3.
Variant type: Deletion.
Coding change: c.1802del on transcript NM_001080517.3 (MANE Select); coding-DNA position 1802, one base deleted (T; older notation c.1802delT).
Protein change: p.Leu601fs; shifts the reading frame from leucine 601.
Molecular consequence: frameshift variant.
Genome position (GRCh38, 1-based): chr3:9,447,705, T deleted. VCF-style (leftmost placement, unchanged base first): chr3-9447704-CT-C. GRCh37 (hg19) VCF-style: chr3-9489388-CT-C.
Other names: c.1508del, p.Leu503fs (NM_001292043.2, NM_001349451.2); c.1898del, p.Leu633fs (NM_001437633.1); c.1859del, p.Leu620fs (NM_001437635.1); c.1802del, p.Leu601fs (NM_001437643.1); c.1841del, p.Leu614fs (NM_001437701.1); short protein forms L503fs, L601fs, L614fs, L620fs, L633fs.
Identifiers: ClinVar variation 4293391 (VCV004293391.1).
Genomic context (GRCh38, chr3:9,447,704, plus strand): 5'-TAAAACATTTCTGGTAAGCATCTGACCCTACTATTGCTACAGGATATTGCTGCAGAAAAA[CT>C]AGTCCCCAAGCCACCTCCAGCAAAGCCTTCTAGGCCCCGGCCGAAGAGTCGAATTTCTCG-3'

ClinVar aggregate classification (germline): Likely pathogenic (1 of 4 stars; one submission).

Conditions:
Intellectual disability-facial dysmorphism syndrome due to SETD5 haploinsufficiency (MRD23). Also called: Intellectual developmental disorder, autosomal dominant 23. Identifiers: Orphanet 404440, MedGen C3810406, MONDO:0014336, OMIM 615761.

Submission:

3billion
Classification: Likely pathogenic for Intellectual disability-facial dysmorphism syndrome due to SETD5 haploinsufficiency. Last evaluated: 2024-11-07. Review status: criteria provided, single submitter. Criteria: ACMG Guidelines, 2015. Collection method: clinical testing. Allele origin: germline. Affected: yes.
Comment: The variant is not observed in the gnomAD v4.1.0 dataset. Predicted Consequence/Location: Frameshift: predicted to result in a loss or disruption of normal protein function through nonsense-mediated decay (NMD) or protein truncation. Multiple pathogenic variants are reported downstream of the variant. Therefore, this variant is classified as Likely pathogenic according to the recommendation of ACMG/AMP guideline.